The following is an entry in ClinVar:

NM_032951.3(MLXIPL):c.*589A>G

Gene: MLXIPL (MLX interacting protein like; minus strand). Cytogenetic location: 7q11.23.
Variant type: single nucleotide variant.
Coding change: c.*589A>G on transcript NM_032951.3 (MANE Select); 589 bases downstream of the stop codon, A replaced by G.
Molecular consequence: 3 prime UTR variant. On other transcripts: non-coding transcript variant (1).
Genome position (GRCh38, 1-based): chr7:73,593,276, T>C on the plus strand (A>G on the coding strand, the complement: MLXIPL is on the minus strand). VCF-style: chr7-73593276-T-C. GRCh37 (hg19) VCF-style: chr7-73007606-T-C.
Other names: c.*589A>G (NM_032952.3, NM_032953.3, NM_032954.3).
Identifiers: ClinVar variation 1277241 (VCV001277241.2), dbSNP rs1051943, ClinGen allele CA160084828.
Genomic context (GRCh38, chr7:73,593,276, plus strand): 5'-TTATTGGTCAAGAATTCTTTACAAAACCCACACACACACATCCACACACACACACACACA[T>C]GATGCCTGCCCTGCTGTGGTCACTCTGGCCCTGGTGTCTCCTGGGATCAGGCCCTCCTGG-3'

ClinVar aggregate classification (germline): Benign. Review status: criteria provided, multiple submitters, no conflicts (2 of 4 stars). 2 submissions from 2 submitters: Benign (2). Last evaluated 2019-08-23.

Allele frequency attached by ClinVar (database versions not stated): 1000 Genomes Project 0.02037; gnomAD exomes 0.03425; gnomAD 0.04381 and 0.04552.
gnomAD v4.1: 7,304 of 171,104 alleles (4.3%); highest among the groups gnomAD compares: Non-Finnish European, 6.6%; 205 homozygotes.

Submissions (2):

GeneDx
Classification: Benign. Last evaluated: 2019-08-23. Review status: criteria provided, single submitter. Criteria: GeneDx Variant Classification Process June 2021. Collection method: clinical testing. Allele origin: germline. Affected: yes.
Comment: This variant is associated with the following publications: (PMID: 30079502)

Breakthrough Genomics
Classification: Benign. Review status: criteria provided, single submitter. Criteria: ACMG Guidelines, 2015. Collection method: not provided. Allele origin: germline. Inheritance: Unknown mechanism. Affected: yes.